The following is an entry in ClinVar:

NM_001009999.3(KDM1A):c.2028A>C (p.Gln676His)

Gene: KDM1A (lysine demethylase 1A; plus strand). Cytogenetic location: 1p36.12.
Variant type: single nucleotide variant.
Coding change: c.2028A>C on transcript NM_001009999.3 (MANE Select); coding-DNA position 2028, A replaced by C.
Protein change: p.Gln676His; replaces glutamine 676 with histidine.
Molecular consequence: missense variant.
Genome position (GRCh38, 1-based): chr1:23,079,150, A>C. VCF-style: chr1-23079150-A-C. GRCh37 (hg19) VCF-style: chr1-23405643-A-C.
Other names: c.1956A>C, p.Gln652His (NM_015013.4, NM_001410763.1); c.1974A>C, p.Gln658His (NM_001363654.2); c.2034A>C, p.Gln678His (NM_001410762.1); short protein forms Q676H, Q652H, Q658H, Q678H.
Identifiers: ClinVar variation 2910100 (VCV002910100.3), dbSNP rs1448269423, ClinGen allele CA338971172.
Genomic context (GRCh38, chr1:23,079,150, plus strand): 5'-GCAGCCACCAGCCGTTCAGTTTGTGCCACCTCTCCCTGAGTGGAAAACATCTGCAGTCCA[A>C]AGGATGGGATTTGGCAACCTTAACAAGGTAGCTTGCCCTAGACACTCCTGTCTACAGATC-3'
Protein context (NP_001009999.1, residues 666-686): PLPEWKTSAV[Gln676His]RMGFGNLNKV

ClinVar aggregate classification (germline): Uncertain significance (1 of 4 stars; one submission).

Allele frequency attached by ClinVar (database versions not stated): gnomAD exomes 0.00001; TOPMed below 0.00001; gnomAD 0.00001.
gnomAD v4.1: 15 of 1,614,018 alleles (0.00093%); highest among the groups gnomAD compares: Non-Finnish European, 0.0012%; no homozygotes.

Submission:

Labcorp Genetics (formerly Invitae), Labcorp
Classification: Uncertain significance. Last evaluated: 2025-08-25. Review status: criteria provided, single submitter. Criteria: Invitae Variant Classification Sherloc (09022015). Collection method: clinical testing. Allele origin: germline.
Comment: This sequence change replaces glutamine, which is neutral and polar, with histidine, which is basic and polar, at codon 676 of the KDM1A protein (p.Gln676His). This variant is present in population databases (no rsID available, gnomAD 0.002%). This variant has not been reported in the literature in individuals affected with KDM1A-related conditions. ClinVar contains an entry for this variant (Variation ID: 2910100). Invitae Evidence Modeling of protein sequence and biophysical properties (such as structural, functional, and spatial information, amino acid conservation, physicochemical variation, residue mobility, and thermodynamic stability) indicates that this missense variant is not expected to disrupt KDM1A protein function with a negative predictive value of 80%. In summary, the available evidence is currently insufficient to determine the role of this variant in disease. Therefore, it has been classified as a Variant of Uncertain Significance.